The following is an entry in ClinVar:

ClinVar aggregate classification (germline): Likely benign. Review status: criteria provided, single submitter (1 of 4 stars). 2 submissions from 2 submitters: Likely benign (1). 1 of the submissions does not count toward it. Last evaluated 2023-05-21.

Conditions:
KMT2D-related disorder. Also called: KMT2D-Related Disorders.
Kabuki syndrome. Also called: NIIKAWA-KUROKI SYNDROME; Kabuki make-up syndrome. Identifiers: Orphanet 2322, MedGen C0796004, MONDO:0016512.

Allele frequency attached by ClinVar (database versions not stated): gnomAD exomes below 0.00001; TOPMed below 0.00001; ExAC 0.00001; ESP Exome Variant Server 0.00008.

Submissions (2):

Labcorp Genetics (formerly Invitae), Labcorp
Classification: Likely benign for Kabuki syndrome. Last evaluated: 2023-05-21. Review status: criteria provided, single submitter. Criteria: Invitae Variant Classification Sherloc (09022015). Collection method: clinical testing. Allele origin: germline.

PreventionGenetics, part of Exact Sciences
Classification: Likely benign for KMT2D-related condition. Last evaluated: 2022-08-31. Review status: no assertion criteria provided. Collection method: clinical testing. Allele origin: germline. Not counted in ClinVar's aggregate classification.
Comment: This variant is classified as likely benign based on ACMG/AMP sequence variant interpretation guidelines (Richards et al. 2015 PMID: 25741868, with internal and published modifications).

NM_003482.4(KMT2D):c.15150G>T (p.Leu5050=)

Gene: KMT2D (lysine methyltransferase 2D; minus strand). Cytogenetic location: 12q13.12.
Variant type: single nucleotide variant.
Coding change: c.15150G>T on transcript NM_003482.4 (MANE Select); coding-DNA position 15150, G replaced by T.
Protein change: p.Leu5050=; no amino-acid change (leucine 5050 retained).
Molecular consequence: synonymous variant.
Genome position (GRCh38, 1-based): chr12:49,026,816, C>A on the plus strand (G>T on the coding strand, the complement: KMT2D is on the minus strand). VCF-style: chr12-49026816-C-A. GRCh37 (hg19) VCF-style: chr12-49420599-C-A.
Other names: c.15150G>T (NM_003482.3).
Identifiers: ClinVar variation 1589934 (VCV001589934.10), dbSNP rs369987419, ClinGen allele CA6545593.